The following is an entry in ClinVar:

NM_020297.4(ABCC9):c.1199C>T (p.Thr400Met)

Gene: ABCC9 (ATP binding cassette subfamily C member 9; minus strand). Cytogenetic location: 12p12.1.
Variant type: single nucleotide variant.
Coding change: c.1199C>T on transcript NM_020297.4 (MANE Select); coding-DNA position 1199, C replaced by T.
Protein change: p.Thr400Met; replaces threonine 400 with methionine.
Molecular consequence: missense variant.
Genome position (GRCh38, 1-based): chr12:21,910,278, G>A on the plus strand (C>T on the coding strand, the complement: ABCC9 is on the minus strand). VCF-style: chr12-21910278-G-A. GRCh37 (hg19) VCF-style: chr12-22063212-G-A.
Other names: c.1199C>T, p.Thr400Met (NM_001377273.1, NM_005691.4); c.335C>T, p.Thr112Met (NM_001377274.1); short protein forms T400M, T112M.
Identifiers: ClinVar variation 2114039 (VCV002114039.4), dbSNP rs749786076, ClinGen allele CA384118860.

ClinVar aggregate classification (germline): Uncertain significance (1 of 4 stars; one submission).

Conditions:
Dilated cardiomyopathy 1O (CMD1O). Also called: CARDIOMYOPATHY, DILATED, WITH VENTRICULAR TACHYCARDIA. Identifiers: Orphanet 154, MedGen C1837839, MONDO:0012062, OMIM 608569.

Allele frequency attached by ClinVar (database versions not stated): gnomAD exomes below 0.00001.
gnomAD v4.1: 2 of 1,605,606 alleles (0.00012%); no homozygotes.

Submission:

Labcorp Genetics (formerly Invitae), Labcorp
Classification: Uncertain significance for Dilated cardiomyopathy 1O. Last evaluated: 2022-03-18. Review status: criteria provided, single submitter. Criteria: Invitae Variant Classification Sherloc (09022015). Collection method: clinical testing. Allele origin: germline.
Comment: In summary, the available evidence is currently insufficient to determine the role of this variant in disease. Therefore, it has been classified as a Variant of Uncertain Significance. Algorithms developed to predict the effect of missense changes on protein structure and function are either unavailable or do not agree on the potential impact of this missense change (SIFT: "Tolerated"; PolyPhen-2: "Probably Damaging"; Align-GVGD: "Class C0"). This variant has not been reported in the literature in individuals affected with ABCC9-related conditions. This variant is not present in population databases (gnomAD no frequency). This sequence change replaces threonine, which is neutral and polar, with methionine, which is neutral and non-polar, at codon 400 of the ABCC9 protein (p.Thr400Met).